The following is an entry in ClinVar:

ClinVar aggregate classification (germline): Uncertain significance. Review status: criteria provided, multiple submitters, no conflicts (2 of 4 stars). 2 submissions from 2 submitters: Uncertain significance (2). Last evaluated 2022-12-14.

Conditions:
Hereditary cancer-predisposing syndrome. Also called: Tumor predisposition; Hereditary neoplastic syndrome; Neoplastic Syndromes, Hereditary; Hereditary Cancer Syndrome. Identifiers: Orphanet 140162, MedGen C0027672, MeSH D009386, MONDO:0015356.
Chuvash polycythemia. Also called: POLYCYTHEMIA, VHL-DEPENDENT. Identifiers: Orphanet 238557, MedGen C1837915, MONDO:0009892, OMIM 263400.
Von Hippel-Lindau syndrome (VHLS). Also called: Von Hippel-Lindau; von Hippel–Lindau syndrome; VHL syndrome. Identifiers: Orphanet 892, MedGen C0019562, MONDO:0008667, OMIM 193300. Disease mechanism: loss of function.

Allele frequency attached by ClinVar (database versions not stated): gnomAD exomes below 0.00001.

Submissions (2):

Labcorp Genetics (formerly Invitae), Labcorp
Classification: Uncertain significance for Von Hippel-Lindau syndrome; Chuvash polycythemia. Last evaluated: 2022-12-14. Review status: criteria provided, single submitter. Criteria: Invitae Variant Classification Sherloc (09022015). Collection method: clinical testing. Allele origin: germline.
Comment: This sequence change replaces alanine, which is neutral and non-polar, with serine, which is neutral and polar, at codon 5 of the VHL protein (p.Ala5Ser). In summary, the available evidence is currently insufficient to determine the role of this variant in disease. Therefore, it has been classified as a Variant of Uncertain Significance. Algorithms developed to predict the effect of missense changes on protein structure and function (SIFT, PolyPhen-2, Align-GVGD) all suggest that this variant is likely to be tolerated. ClinVar contains an entry for this variant (Variation ID: 1521108). This variant has not been reported in the literature in individuals affected with VHL-related conditions. This variant is not present in population databases (gnomAD no frequency).

Ambry Genetics
Classification: Uncertain significance for Hereditary cancer-predisposing syndrome. Last evaluated: 2022-10-19. Review status: criteria provided, single submitter. Criteria: Ambry Variant Classification Scheme 2023. Collection method: clinical testing. Allele origin: germline.
Comment: The p.A5S variant (also known as c.13G>T), located in coding exon 1 of the VHL gene, results from a G to T substitution at nucleotide position 13. The alanine at codon 5 is replaced by serine, an amino acid with similar properties. This amino acid position is well conserved in available vertebrate species. In addition, this alteration is predicted to be tolerated by in silico analysis. Since supporting evidence is limited at this time, the clinical significance of this alteration remains unclear.

NM_000551.4(VHL):c.13G>T (p.Ala5Ser)

Gene: VHL (von Hippel-Lindau tumor suppressor; plus strand). Cytogenetic location: 3p25.3.
Variant type: single nucleotide variant.
Coding change: c.13G>T on transcript NM_000551.4 (MANE Select); coding-DNA position 13, G replaced by T.
Protein change: p.Ala5Ser; replaces alanine 5 with serine.
Molecular consequence: missense variant.
Genome position (GRCh38, 1-based): chr3:10,141,860, G>T. VCF-style: chr3-10141860-G-T. GRCh37 (hg19) VCF-style: chr3-10183544-G-T.
Other names: c.13G>T, p.Ala5Ser (NM_001354723.2, NM_198156.3); short protein forms A5S.
Identifiers: ClinVar variation 1521108 (VCV001521108.10), dbSNP rs1559425498, ClinGen allele CA351747028.
Genomic context (GRCh38, chr3:10,141,860, plus strand): 5'-CCGCGGATCCCGCGGCGTCCGGCCCGGGTGGTCTGGATCGCGGAGGGAATGCCCCGGAGG[G>T]CGGAGAACTGGGACGAGGCCGAGGTAGGCGCGGAGGAGGCAGGCGTCGAAGAGTACGGCC-3'
Protein context (NP_000542.1, residues 1-15): MPRR[Ala5Ser]ENWDEAEVGA